The following is an entry in ClinVar:

ClinVar aggregate classification (germline): Uncertain significance (1 of 4 stars; one submission).

gnomAD v4.1: 16 of 1,587,328 alleles (0.001%); highest among the groups gnomAD compares: African/African-American, 0.0013%; no homozygotes.

Submission:

GeneDx
Classification: Uncertain significance. Last evaluated: 2024-07-16. Review status: criteria provided, single submitter. Criteria: GeneDx Variant Classification Process June 2021. Collection method: clinical testing. Allele origin: germline. Affected: yes.
Comment: Not observed at significant frequency in large population cohorts (gnomAD); In silico analysis indicates that this missense variant does not alter protein structure/function; Has not been previously published as pathogenic or benign to our knowledge

NM_000540.3(RYR1):c.12693G>T (p.Glu4231Asp)

Gene: RYR1 (ryanodine receptor 1; plus strand). Cytogenetic location: 19q13.2.
Variant type: single nucleotide variant.
Coding change: c.12693G>T on transcript NM_000540.3 (MANE Select); coding-DNA position 12693, G replaced by T.
Protein change: p.Glu4231Asp; replaces glutamic acid 4231 with aspartic acid.
Molecular consequence: missense variant.
Genome position (GRCh38, 1-based): chr19:38,565,027, G>T. VCF-style: chr19-38565027-G-T. GRCh37 (hg19) VCF-style: chr19-39055667-G-T.
Other names: c.12678G>T, p.Glu4226Asp (NM_001042723.2); short protein forms E4226D, E4231D.
Identifiers: ClinVar variation 3573710 (VCV003573710.1).